The following is an entry in ClinVar:

NM_001651.4(AQP5):c.113C>A (p.Ala38Glu)

Genes: AQP5 (aquaporin 5; plus strand), AQP5-AS1 (AQP5 and AQP2 antisense RNA 2; minus strand). Cytogenetic location: 12q13.12.
Variant type: single nucleotide variant.
Coding change: c.113C>A on transcript NM_001651.4 (MANE Select); coding-DNA position 113, C replaced by A.
Protein change: p.Ala38Glu; replaces alanine 38 with glutamic acid.
Molecular consequence: missense variant.
Genome position (GRCh38, 1-based): chr12:49,962,130, C>A. VCF-style: chr12-49962130-C-A. GRCh37 (hg19) VCF-style: chr12-50355913-C-A.
Other names: short protein forms A38E.
Identifiers: ClinVar variation 65478 (VCV000065478.8), dbSNP rs398123054, ClinGen allele CA144807.
Genomic context (GRCh38, chr12:49,962,130, plus strand): 5'-TCTTGGCCACCCTCATCTTCGTCTTCTTTGGCCTGGGCTCGGCCCTCAAGTGGCCGTCGG[C>A]GCTGCCTACCATCCTGCAGATCGCGCTGGCGTTTGGCCTGGCCATAGGCACGCTGGCCCA-3'
Protein context (NP_001642.1, residues 28-48): GLGSALKWPS[Ala38Glu]LPTILQIALA

ClinVar aggregate classification (germline): Pathogenic. Review status: criteria provided, multiple submitters, no conflicts (2 of 4 stars). 3 submissions from 3 submitters: Pathogenic (2). 1 of the submissions does not count toward it. Last evaluated 2024-09-12.

Conditions:
AQP5-related disorder. Also called: AQP5-related condition.
Palmoplantar keratoderma, Bothnian type. Identifiers: Orphanet 2337, MedGen C1838359, MONDO:0010849, OMIM 600231.

Allele frequency attached by ClinVar (database versions not stated): TOPMed 0.00001; gnomAD 0.00003; gnomAD exomes 0.00006; ExAC 0.00010.

Submissions (3):

Blueprint Genetics
Classification: Pathogenic for AQP5-related disorders. Last evaluated: 2024-09-12. Review status: criteria provided, single submitter. Criteria: ACMG Guidelines, 2015. Collection method: clinical testing. Allele origin: germline. Affected: yes. Observed: 5 variant alleles.

Labcorp Genetics (formerly Invitae), Labcorp
Classification: Pathogenic. Last evaluated: 2023-01-22. Review status: criteria provided, single submitter. Criteria: Invitae Variant Classification Sherloc (09022015). Collection method: clinical testing. Allele origin: germline.
Comment: This sequence change replaces alanine, which is neutral and non-polar, with glutamic acid, which is acidic and polar, at codon 38 of the AQP5 protein (p.Ala38Glu). This variant is present in population databases (rs398123054, gnomAD 0.02%). This missense change has been observed in individuals with palmoplantar keratodermas (PMID: 23830519, 33914963). It has also been observed to segregate with disease in related individuals. ClinVar contains an entry for this variant (Variation ID: 65478). Advanced modeling of protein sequence and biophysical properties (such as structural, functional, and spatial information, amino acid conservation, physicochemical variation, residue mobility, and thermodynamic stability) performed at Invitae indicates that this missense variant is not expected to disrupt AQP5 protein function. For these reasons, this variant has been classified as Pathogenic.

OMIM
Classification: Pathogenic for PALMOPLANTAR KERATODERMA, BOTHNIAN TYPE. Last evaluated: 2013-08-08. Review status: no assertion criteria provided. Collection method: literature only. Allele origin: germline. Not counted in ClinVar's aggregate classification.

Literature cited by the submitters: PubMed 23830519 (cited by Labcorp Genetics (formerly Invitae), Labcorp and OMIM); PubMed 33914963 (cited by Labcorp Genetics (formerly Invitae), Labcorp); PubMed 7531539 (cited by OMIM).